The following is an entry in ClinVar:

NM_017514.5(PLXNA3):c.1255G>A (p.Ala419Thr)

Gene: PLXNA3 (plexin A3; plus strand). Cytogenetic location: Xq28.
Variant type: single nucleotide variant.
Coding change: c.1255G>A on transcript NM_017514.5 (MANE Select); coding-DNA position 1255, G replaced by A.
Protein change: p.Ala419Thr; replaces alanine 419 with threonine.
Molecular consequence: missense variant.
Genome position (GRCh38, 1-based): chrX:154,462,248, G>A. VCF-style: chrX-154462248-G-A. GRCh37 (hg19) VCF-style: chrX-153690588-G-A.
Other names: short protein forms A419T.
Identifiers: ClinVar variation 728839 (VCV000728839.6), dbSNP rs35700706, ClinGen allele CA10563966.

ClinVar aggregate classification (germline): Benign. Review status: criteria provided, multiple submitters, no conflicts (2 of 4 stars). 3 submissions from 3 submitters: Benign (2). 1 of the submissions does not count toward it. Last evaluated 2018-06-19.

Conditions:
PLXNA3-related disorder. Also called: PLXNA3-related condition.

Allele frequency attached by ClinVar (database versions not stated): 1000 Genomes Project 30x 0.00042; TOPMed 0.00046; 1000 Genomes Project 0.00053; ExAC 0.00093; gnomAD exomes 0.00104; ESP Exome Variant Server 0.00114.

Submissions (3):

Labcorp Genetics (formerly Invitae), Labcorp
Classification: Benign. Last evaluated: 2018-06-19. Review status: criteria provided, single submitter. Criteria: Invitae Variant Classification Sherloc (09022015). Collection method: clinical testing. Allele origin: germline.

Breakthrough Genomics
Classification: Benign. Review status: criteria provided, single submitter. Criteria: ACMG Guidelines, 2015. Collection method: not provided. Allele origin: germline. Inheritance: Unknown mechanism. Affected: yes.

PreventionGenetics, part of Exact Sciences
Classification: Likely benign for PLXNA3-related condition. Last evaluated: 2021-07-19. Review status: no assertion criteria provided. Collection method: clinical testing. Allele origin: germline. Not counted in ClinVar's aggregate classification.
Comment: This variant is classified as likely benign based on ACMG/AMP sequence variant interpretation guidelines (Richards et al. 2015 PMID: 25741868, with internal and published modifications).